The following is an entry in ClinVar:

NM_001303256.3(MORC2):c.2023C>T (p.Arg675Ter)

Gene: MORC2 (MORC family CW-type zinc finger 2; minus strand). Cytogenetic location: 22q12.2.
Variant type: single nucleotide variant.
Coding change: c.2023C>T on transcript NM_001303256.3 (MANE Select); coding-DNA position 2023, C replaced by T.
Protein change: p.Arg675Ter; replaces arginine 675 with a stop codon.
Molecular consequence: nonsense.
Genome position (GRCh38, 1-based): chr22:30,934,951, G>A on the plus strand (C>T on the coding strand, the complement: MORC2 is on the minus strand). VCF-style: chr22-30934951-G-A. GRCh37 (hg19) VCF-style: chr22-31330938-G-A.
Other names: c.2023C>T (NM_001303256.2); c.2023C>T, p.Arg675Ter (NM_001303257.2); c.1837C>T, p.Arg613Ter (NM_014941.3); short protein forms R613*, R675*.
Identifiers: ClinVar variation 2022789 (VCV002022789.6), dbSNP rs532346574, ClinGen allele CA411234757.

ClinVar aggregate classification (germline): Uncertain significance. Review status: criteria provided, multiple submitters, no conflicts (2 of 4 stars). 3 submissions from 3 submitters: Uncertain significance (3). Last evaluated 2026-08-06.

Conditions:
Charcot-Marie-Tooth disease axonal type 2Z. Also called: CHARCOT-MARIE-TOOTH DISEASE, AXONAL, AUTOSOMAL DOMINANT, TYPE 2Z; CHARCOT-MARIE-TOOTH NEUROPATHY, TYPE 2Z. Identifiers: Orphanet 466768, MedGen C5569025, MONDO:0014736, OMIM 616688.
Developmental delay, impaired growth, dysmorphic facies, and axonal neuropathy. Identifiers: MedGen C5436781, MONDO:0030835, OMIM 619090.

gnomAD v4.1: 2 of 1,614,082 alleles (0.00012%); highest among the groups gnomAD compares: Non-Finnish European, 0.00017%; no homozygotes.

Submissions (3):

OLLIN Analises Genomicas, OLLIN
Classification: Uncertain significance for Developmental delay, impaired growth, dysmorphic facies, and axonal neuropathy. Last evaluated: 2026-08-06. Review status: criteria provided, single submitter. Criteria: ACMG Guidelines 2015 PMID 25741868. Collection method: clinical testing. Allele origin: germline. Inheritance: Autosomal dominant inheritance.
Comment: This nonsense variant, located in exon 19 (of 26), has been reported in ClinVar (accession VCV002864528.4) and in gnomAD with an allele frequency of 0.00012%. However, to our knowledge, it has not been reported in the scientific literature. This variant introduces a premature stop codon, which is predicted to result in either a truncated protein or degradation of the mRNA via nonsense-mediated decay (NMD). According to the currently available evidence, this variant has been classified as uncertain significance (PM2_P).

Labcorp Genetics (formerly Invitae), Labcorp
Classification: Uncertain significance for Charcot-Marie-Tooth disease axonal type 2Z. Last evaluated: 2023-04-05. Review status: criteria provided, single submitter. Criteria: Invitae Variant Classification Sherloc (09022015). Collection method: clinical testing. Allele origin: germline.
Comment: This variant is not present in population databases (gnomAD no frequency). In summary, the available evidence is currently insufficient to determine the role of this variant in disease. Therefore, it has been classified as a Variant of Uncertain Significance. ClinVar contains an entry for this variant (Variation ID: 2022789). This variant has not been reported in the literature in individuals affected with MORC2-related conditions. This sequence change creates a premature translational stop signal (p.Arg675*) in the MORC2 gene. It is expected to result in an absent or disrupted protein product. However, the current clinical and genetic evidence is not sufficient to establish whether loss-of-function variants in MORC2 cause disease.

Women's Health and Genetics/Laboratory Corporation of America, LabCorp
Classification: Uncertain significance. Last evaluated: 2023-03-15. Review status: criteria provided, single submitter. Criteria: LabCorp Variant Classification Summary - May 2015. Collection method: clinical testing. Allele origin: germline.
Comment: Variant summary: MORC2 c.2023C>T (p.Arg675X) results in a premature termination codon, predicted to cause a truncation of the encoded protein or absence of the protein due to nonsense mediated decay. The variant was absent in 251244 control chromosomes (gnomAD). The available data on variant occurrences in the general population are insufficient to allow any conclusion about variant significance. To our knowledge, no occurrence of c.2023C>T in individuals affected with Developmental Delay, Impaired Growth, Dysmorphic Facies, And Axonal Neuropathy and no experimental evidence demonstrating its impact on protein function have been reported. One clinical diagnostic laboratory has submitted clinical-significance assessments for this variant to ClinVar after 2014 and classified the variant as uncertain significance. Based on the evidence outlined above, the variant was classified as uncertain significance.